The following is an entry in ClinVar:

NM_015662.3(IFT172):c.3712-7_3712-4del

Genes: IFT172 (intraflagellar transport 172; minus strand), LOC126806173 (BRD4-independent group 4 enhancer GRCh37_chr2:27676057-27677256; plus strand). Cytogenetic location: 2p23.3.
Variant type: Deletion.
Coding change: c.3712-7_3712-4del on transcript NM_015662.3 (MANE Select); 7 bases into the intron before coding-DNA position 3712 through 4 bases into the intron before coding-DNA position 3712, 4 bases deleted (TGAG; older notation c.3712-7_3712-4delTGAG).
Molecular consequence: intron variant.
Genome position (GRCh38, 1-based): chr2:27,453,743-27,453,746, CTCA deleted on the plus strand (TGAG on the coding strand, the reverse complement: IFT172 is on the minus strand). VCF-style (leftmost placement, unchanged base first): chr2-27453742-GCTCA-G. GRCh37 (hg19) VCF-style: chr2-27676609-GCTCA-G.
Other names: c.3646-7_3646-4del (NM_001410739.1).
Identifiers: ClinVar variation 3354250 (VCV003354250.1).
Genomic context (GRCh38, chr2:27,453,742, plus strand): 5'-GCTGGCTGGGCACATAGTCCTTGCAGATGCGCAGAGCGTCACTCCATAATCCAGCCTCCT[GCTCA>G]GATTTCCAGGTATCAAGAGGGCAGAGGCAGGCCTGACAGCTTCCCACTGCCACACAGGTA-3'

ClinVar aggregate classification (germline): Likely benign (0 of 4 stars; one submission).

Conditions:
IFT172-related disorder. Also called: IFT172-related disorders; IFT172-related condition.

Submission:

PreventionGenetics, part of Exact Sciences
Classification: Likely benign for IFT172-related condition. Last evaluated: 2022-10-21. Review status: no assertion criteria provided. Collection method: clinical testing. Allele origin: germline.
Comment: This variant is classified as likely benign based on ACMG/AMP sequence variant interpretation guidelines (Richards et al. 2015 PMID: 25741868, with internal and published modifications).